The following is an entry in ClinVar:

ClinVar aggregate classification (germline): Likely benign. Review status: criteria provided, multiple submitters, no conflicts (2 of 4 stars). 2 submissions from 2 submitters: Likely benign (2). Last evaluated 2022-11-14.

Conditions:
RASopathy. Also called: rasopathies; Noonan spectrum disorder. Identifiers: Orphanet 536391, MedGen C5555857, MONDO:0021060.

Allele frequency attached by ClinVar (database versions not stated): gnomAD exomes below 0.00001 and 0.00001; gnomAD 0.00003.
gnomAD v4.1: 3 of 1,599,452 alleles (0.00019%); highest among the groups gnomAD compares: Admixed American, 0.0033%; no homozygotes.

Submissions (2):

Labcorp Genetics (formerly Invitae), Labcorp
Classification: Likely benign for RASopathy. Last evaluated: 2022-11-14. Review status: criteria provided, single submitter. Criteria: Invitae Variant Classification Sherloc (09022015). Collection method: clinical testing. Allele origin: germline.

GeneDx
Classification: Likely benign. Last evaluated: 2015-10-15. Review status: criteria provided, single submitter. Criteria: GeneDx Variant Classification (06012015). Collection method: clinical testing. Allele origin: germline. Affected: yes.
Comment: This variant is considered likely benign or benign based on one or more of the following criteria: it is a conservative change, it occurs at a poorly conserved position in the protein, it is predicted to be benign by multiple in silico algorithms, and/or has population frequency not consistent with disease.

NM_002834.5(PTPN11):c.138-4T>G

Gene: PTPN11 (protein tyrosine phosphatase non-receptor type 11; plus strand). Cytogenetic location: 12q24.13.
Variant type: single nucleotide variant.
Coding change: c.138-4T>G on transcript NM_002834.5 (MANE Select); 4 bases into the intron before coding-DNA position 138, T replaced by G.
Molecular consequence: intron variant.
Genome position (GRCh38, 1-based): chr12:112,450,314, T>G. VCF-style: chr12-112450314-T-G. GRCh37 (hg19) VCF-style: chr12-112888118-T-G.
Other names: c.138-4T>G (NM_001330437.2, NM_080601.3); c.138-7T>G (NM_001374625.1).
Identifiers: ClinVar variation 380969 (VCV000380969.4), dbSNP rs959868124, ClinGen allele CA16606066.